The following is an entry in ClinVar:

NM_017636.4(TRPM4):c.2674C>T (p.Arg892Cys)

Gene: TRPM4 (transient receptor potential cation channel subfamily M member 4; plus strand). Cytogenetic location: 19q13.33.
Variant type: single nucleotide variant.
Coding change: c.2674C>T on transcript NM_017636.4 (MANE Select); coding-DNA position 2674, C replaced by T.
Protein change: p.Arg892Cys; replaces arginine 892 with cysteine.
Molecular consequence: missense variant.
Genome position (GRCh38, 1-based): chr19:49,200,328, C>T. VCF-style: chr19-49200328-C-T. GRCh37 (hg19) VCF-style: chr19-49703585-C-T.
Other names: c.2239C>T, p.Arg747Cys (NM_001195227.2); c.2329C>T, p.Arg777Cys (NM_001321281.2); c.1066C>T, p.Arg356Cys (NM_001321282.2); c.2152C>T, p.Arg718Cys (NM_001321283.2); c.1612C>T, p.Arg538Cys (NM_001321285.2); short protein forms R892C, R718C, R747C, R356C, R538C, R777C.
Identifiers: ClinVar variation 329866 (VCV000329866.22), dbSNP rs147854826, ClinGen allele CA9569619.

ClinVar aggregate classification (germline): Conflicting classifications of pathogenicity. Review status: criteria provided, conflicting classifications (1 of 4 stars). 6 submissions from 6 submitters: Uncertain significance (2); Benign (1); Likely benign (2). 1 of the submissions does not count toward it. Last evaluated 2026-01-27.

Conditions:
Cardiovascular phenotype. Identifiers: MedGen CN230736.
Progressive familial heart block type IB (PFHB1B). Identifiers: Orphanet 871, MedGen C1970298, MONDO:0011474, OMIM 604559.

Allele frequency attached by ClinVar (database versions not stated): gnomAD 0.00047; ExAC 0.00051; TOPMed 0.00051; gnomAD exomes 0.00060; ESP Exome Variant Server 0.00077.
gnomAD v4.1: 1,386 of 1,613,968 alleles (0.086%); highest among the groups gnomAD compares: Non-Finnish European, 0.094%; 1 homozygote.

Submissions (6):

Labcorp Genetics (formerly Invitae), Labcorp
Classification: Benign for Progressive familial heart block type IB. Last evaluated: 2026-01-27. Review status: criteria provided, single submitter. Criteria: Invitae Variant Classification Sherloc (09022015). Collection method: clinical testing. Allele origin: germline.

Blueprint Genetics
Classification: Likely benign. Last evaluated: 2024-10-31. Review status: criteria provided, single submitter. Criteria: ACMG Guidelines, 2015. Collection method: clinical testing. Allele origin: germline.

GeneDx
Classification: Uncertain significance. Last evaluated: 2019-07-24. Review status: criteria provided, single submitter. Criteria: GeneDx Variant Classification Process June 2021. Collection method: clinical testing. Allele origin: germline. Affected: yes.
Comment: Identified in one individual with atrioventricular block who also harbors variants in the TNNI3K, SCN1B, and RYR2 genes in published literature (Daumy et al., 2016); In silico analysis, which includes protein predictors and evolutionary conservation, supports a deleterious effect; This variant is associated with the following publications: (PMID: 30142439, 26820365)

Ambry Genetics
Classification: Likely benign for Cardiovascular phenotype. Last evaluated: 2018-09-20. Review status: criteria provided, single submitter. Criteria: Ambry Variant Classification Scheme 2023. Collection method: clinical testing. Allele origin: germline.

Illumina Laboratory Services, Illumina
Classification: Uncertain significance for Progressive familial heart block type IB. Last evaluated: 2018-01-12. Review status: criteria provided, single submitter. Criteria: ICSL Variant Classification Criteria 13 December 2019. Collection method: clinical testing. Allele origin: germline.

Division of Human Genetics, Children's Hospital of Philadelphia
Classification: Uncertain significance for Progressive familial heart block type IB. Last evaluated: 2016-07-19. Review status: no assertion criteria provided. Collection method: research. Allele origin: paternal. Affected: yes. Study: CSER-PediSeq. Not counted in ClinVar's aggregate classification.

Literature cited by the submitters: PubMed 26820365 (cited by Division of Human Genetics, Children's Hospital of Philadelphia).